The following is an entry in ClinVar:

NM_000875.5(IGF1R):c.74T>G (p.Leu25Arg)

Genes: IGF1R (insulin like growth factor 1 receptor; plus strand), IRAIN (IGF1R antisense imprinted non-protein coding RNA; minus strand). Cytogenetic location: 15q26.3.
Variant type: single nucleotide variant.
Coding change: c.74T>G on transcript NM_000875.5 (MANE Select); coding-DNA position 74, T replaced by G.
Protein change: p.Leu25Arg; replaces leucine 25 with arginine.
Molecular consequence: missense variant. On other transcripts: non-coding transcript variant (1).
Genome position (GRCh38, 1-based): chr15:98,649,655, T>G. VCF-style: chr15-98649655-T-G. GRCh37 (hg19) VCF-style: chr15-99192884-T-G.
Other names: c.74T>G, p.Leu25Arg (NM_001291858.2); short protein forms L25R.
Identifiers: ClinVar variation 3373358 (VCV003373358.2).

ClinVar aggregate classification (germline): Uncertain significance. Review status: criteria provided, multiple submitters, no conflicts (2 of 4 stars). 2 submissions from 2 submitters: Uncertain significance (2). Last evaluated 2024-09-24.

Conditions:
Inborn genetic diseases. Identifiers: MedGen C0950123, MeSH D030342.

Submissions (2):

Ambry Genetics
Classification: Uncertain significance for Inborn genetic diseases. Last evaluated: 2024-09-24. Review status: criteria provided, single submitter. Criteria: Ambry Variant Classification Scheme 2023. Collection method: clinical testing. Allele origin: germline.

GeneDx
Classification: Uncertain significance. Last evaluated: 2024-04-30. Review status: criteria provided, single submitter. Criteria: GeneDx Variant Classification Process June 2021. Collection method: clinical testing. Allele origin: germline. Affected: yes.
Comment: Not observed at significant frequency in large population cohorts (gnomAD); In silico analysis indicates that this missense variant does not alter protein structure/function; Has not been previously published as pathogenic or benign to our knowledge